The following is an entry in ClinVar:

NM_001378418.1(TCF20):c.679dup (p.Arg227fs)

Gene: TCF20 (transcription factor 20; minus strand). Cytogenetic location: 22q13.2.
Variant type: Duplication.
Coding change: c.679dup on transcript NM_001378418.1 (MANE Select); coding-DNA position 679, one base duplicated (A; older notation c.679dupA).
Protein change: p.Arg227fs; shifts the reading frame from arginine 227.
Molecular consequence: frameshift variant.
Genome position (GRCh38, 1-based): chr22:42,214,627, T duplicated on the plus strand (A on the coding strand, the reverse complement: TCF20 is on the minus strand); the first of 2 consecutive T bases (chr22:42,214,627-42,214,628); duplicating either gives the same sequence. VCF-style (leftmost placement, unchanged base first): chr22-42214626-C-CT. GRCh37 (hg19) VCF-style: chr22-42610632-C-CT.
Other names: c.679dup, p.Arg227fs (NM_005650.4, NM_181492.3); short protein forms R227fs.
Identifiers: ClinVar variation 2834649 (VCV002834649.3), dbSNP rs2518243341, ClinGen allele CA2739268007.
Genomic context (GRCh38, chr22:42,214,626, plus strand): 5'-AAGGAGGAGGAGGAGGAGGAGGAAGCAGAAGACTGATAGTGTTGGCCAAACTGACCCACT[C>CT]TTAACTGGTAACCAGCAGCAGAGGATGGCAGAGTTGAGGGCCGCTGCATTGGCTGTAGAT-3'

ClinVar aggregate classification (germline): Pathogenic (1 of 4 stars; one submission).

Submission:

Labcorp Genetics (formerly Invitae), Labcorp
Classification: Pathogenic. Last evaluated: 2023-02-10. Review status: criteria provided, single submitter. Criteria: Invitae Variant Classification Sherloc (09022015). Collection method: clinical testing. Allele origin: germline.
Comment: For these reasons, this variant has been classified as Pathogenic. This sequence change creates a premature translational stop signal (p.Arg227Lysfs*28) in the TCF20 gene. It is expected to result in an absent or disrupted protein product. Loss-of-function variants in TCF20 are known to be pathogenic (PMID: 30739909, 30819258). This variant is not present in population databases (gnomAD no frequency). This variant has not been reported in the literature in individuals affected with TCF20-related conditions.

Literature cited by the submitters: PubMed 30739909; PubMed 30819258.